The following is an entry in ClinVar:

NM_006904.7(PRKDC):c.10863G>C (p.Lys3621Asn)

Gene: PRKDC (protein kinase, DNA-activated, catalytic subunit; minus strand). Cytogenetic location: 8q11.21.
Variant type: single nucleotide variant.
Coding change: c.10863G>C on transcript NM_006904.7 (MANE Select); coding-DNA position 10863, G replaced by C.
Protein change: p.Lys3621Asn; replaces lysine 3621 with asparagine.
Molecular consequence: missense variant.
Genome position (GRCh38, 1-based): chr8:47,788,945, C>G on the plus strand (G>C on the coding strand, the complement: PRKDC is on the minus strand). VCF-style: chr8-47788945-C-G. GRCh37 (hg19) VCF-style: chr8-48701506-C-G.
Other names: c.10863G>C, p.Lys3621Asn (NM_001081640.2); short protein forms K3621N.
Identifiers: ClinVar variation 2497368 (VCV002497368.2), dbSNP rs756191561, ClinGen allele CA371132070.

ClinVar aggregate classification (germline): Uncertain significance (1 of 4 stars; one submission).

Submission:

Ambry Genetics
Classification: Uncertain significance. Last evaluated: 2022-11-25. Review status: criteria provided, single submitter. Criteria: Ambry Variant Classification Scheme 2023. Collection method: clinical testing. Allele origin: germline.
Comment: The p.K3621N variant (also known as c.10863G>C), located in coding exon 76 of the PRKDC gene, results from a G to C substitution at nucleotide position 10863. The lysine at codon 3621 is replaced by asparagine, an amino acid with similar properties. This amino acid position is conserved. In addition, this alteration is predicted to be tolerated by in silico analysis. Since supporting evidence is limited at this time, the clinical significance of this alteration remains unclear.